The following is an entry in ClinVar:

ClinVar aggregate classification (germline): Likely benign (1 of 4 stars; one submission).

Submission:

CeGaT Center for Human Genetics Tuebingen
Classification: Likely benign. Last evaluated: 2026-04-01. Review status: criteria provided, single submitter. Criteria: CeGaT Center For Human Genetics Tuebingen Variant Classification Criteria Version 2. Collection method: clinical testing. Allele origin: germline. Affected: yes. Observed: 1 variant allele.
Comment: USP17L22: PM2:Supporting, BP4, BP7

NM_001256863.1(USP17L22):c.723G>A (p.Val241=)

Gene: USP17L22 (ubiquitin specific peptidase 17 like family member 22; plus strand). Cytogenetic location: 4p16.1.
Variant type: single nucleotide variant.
Coding change: c.723G>A on transcript NM_001256863.1 (MANE Select); coding-DNA position 723, G replaced by A.
Protein change: p.Val241=; no amino-acid change (valine 241 retained).
Molecular consequence: synonymous variant.
Genome position (GRCh38, 1-based): chr4:9,268,341, G>A. VCF-style: chr4-9268341-G-A. GRCh37 (hg19) VCF-style: chr4-9270067-G-A.
Identifiers: ClinVar variation 4872735 (VCV004872735.2).
Genomic context (GRCh38, chr4:9,268,341, plus strand): 5'-GGACATCGCCCTGGATATCCAGGCAGCTCAGAGTGTCCAGCAAGCTTTGGAACAGTTGGT[G>A]AAGCCCGAAGAACTCAATGGAGAGAATGCCTATCATTGTGGTGTTTGTCTCCAGAGGGCG-3'
Protein context (NP_001243792.1, residues 231-251): QSVQQALEQL[Val241=]KPEELNGENA